The following is an entry in ClinVar:

ClinVar aggregate classification (germline): Conflicting classifications of pathogenicity. Review status: criteria provided, conflicting classifications (1 of 4 stars). 6 submissions from 6 submitters: Uncertain significance (5); Likely benign (1). Last evaluated 2026-05-10.

Conditions:
Alpha-1-antitrypsin deficiency (A1ATD). Also called: Alpha1-Antitrypsin Deficiency; AAT deficiency; A1AT deficiency. Identifiers: Orphanet 60, MedGen C0221757, MONDO:0013282, OMIM 613490.
SERPINA1-related disorder. Also called: SERPINA1-related condition; SerpinA1-related disorders.

Allele frequency attached by ClinVar (database versions not stated): TOPMed 0.00093; 1000 Genomes Project 30x 0.00109; gnomAD exomes 0.00013 and 0.00033; ExAC 0.00039; 1000 Genomes Project 0.00060; ESP Exome Variant Server 0.00077; gnomAD 0.00078 and 0.00084.

Submissions (6):

PreventionGenetics, part of Exact Sciences
Classification: Uncertain significance for SERPINA1-related condition. Last evaluated: 2026-05-10. Review status: criteria provided, single submitter. Criteria: ACMG Guidelines, 2015. Collection method: clinical testing. Allele origin: germline.
Comment: The SERPINA1 c.976G>A variant is predicted to result in the amino acid substitution p.Val326Ile. This variant was reported in an individual in the SPIROMICS study population; however, their disease status was not specified (Ortega et al. 2020. PubMed ID: 31661293). This variant is reported in 0.30% of alleles in individuals of African descent in gnomAD. Although we suspect that this variant may be benign, at this time, the clinical significance of this variant is uncertain due to the absence of conclusive functional and genetic evidence.

Labcorp Genetics (formerly Invitae), Labcorp
Classification: Likely benign for Alpha-1-antitrypsin deficiency. Last evaluated: 2025-10-27. Review status: criteria provided, single submitter. Criteria: Invitae Variant Classification Sherloc (09022015). Collection method: clinical testing. Allele origin: germline.

GeneDx
Classification: Uncertain significance. Last evaluated: 2024-10-10. Review status: criteria provided, single submitter. Criteria: GeneDx Variant Classification Process June 2021. Collection method: clinical testing. Allele origin: germline. Affected: yes.
Comment: Reported in a large cohort study of subjects with significant tobacco smoke exposure (SPIROMICS); however, specific details regarding proband phenotype were limited (PMID: 31661293); In silico analysis indicates that this missense variant does not alter protein structure/function; This variant is associated with the following publications: (PMID: 31661293, 35982159, 33057194)

Mayo Clinic Laboratories, Mayo Clinic
Classification: Uncertain significance. Last evaluated: 2024-04-05. Review status: criteria provided, single submitter. Criteria: ACMG Guidelines, 2015. Collection method: clinical testing. Allele origin: germline. Observed: 1 variant allele.
Comment: BP4

Revvity Omics, Revvity
Classification: Uncertain significance for Alpha-1-antitrypsin deficiency. Last evaluated: 2021-02-18. Review status: criteria provided, single submitter. Criteria: ACMG Guidelines, 2015. Collection method: clinical testing. Allele origin: germline.

Eurofins Ntd Llc (ga)
Classification: Uncertain significance. Last evaluated: 2018-04-06. Review status: criteria provided, single submitter. Criteria: EGL ClinVar v180209 classification definitions. Collection method: clinical testing. Allele origin: germline. Observed: 6 variant alleles, 6 heterozygotes.

Literature cited by the submitters: PubMed 31661293 (cited by Mayo Clinic Laboratories, Mayo Clinic); PubMed 33057194 (cited by Mayo Clinic Laboratories, Mayo Clinic); PubMed 35982159 (cited by Mayo Clinic Laboratories, Mayo Clinic).

NM_000295.5(SERPINA1):c.976G>A (p.Val326Ile)

Gene: SERPINA1 (serpin family A member 1; minus strand). Cytogenetic location: 14q32.13.
Variant type: single nucleotide variant.
Coding change: c.976G>A on transcript NM_000295.5 (MANE Select); coding-DNA position 976, G replaced by A.
Protein change: p.Val326Ile; replaces valine 326 with isoleucine.
Molecular consequence: missense variant.
Genome position (GRCh38, 1-based): chr14:94,379,553, C>T on the plus strand (G>A on the coding strand, the complement: SERPINA1 is on the minus strand). VCF-style: chr14-94379553-C-T. GRCh37 (hg19) VCF-style: chr14-94845890-C-T.
Other names: p.Val326Ile; c.976G>A, p.Val326Ile (NM_001002235.3, NM_001002236.3, NM_001127700.2 and 7 more transcripts); short protein forms V326I.
Identifiers: ClinVar variation 286309 (VCV000286309.20), dbSNP rs139964603, ClinGen allele CA7327337.